The following is an entry in ClinVar:

ClinVar aggregate classification (germline): Uncertain significance (1 of 4 stars; one submission).

Conditions:
Muscular dystrophy-dystroglycanopathy (congenital with brain and eye anomalies), type A, 7. Also called: WALKER-WARBURG SYNDROME OR MUSCLE-EYE-BRAIN DISEASE, ISPD-RELATED; Congenital muscular dystrophy-dystroglycanopathy with brain and eye anomalies, type A7. Identifiers: Orphanet 899, MedGen C3553330, MONDO:0013835, OMIM 614643.

Submission:

Neuberg Centre For Genomic Medicine, NCGM
Classification: Uncertain significance for Muscular dystrophy-dystroglycanopathy (congenital with brain and eye anomalies), type A, 7. Last evaluated: 2023-05-20. Review status: criteria provided, single submitter. Criteria: ACMG Guidelines, 2015. Collection method: clinical testing. Allele origin: germline. Inheritance: Autosomal recessive inheritance. Affected: yes.
Comment: The observed missense c.509T>G (p.Val170Gly) variant in CRPPA gene has not been reported previously as a pathogenic variant nor as a benign variant, to our knowledge. The p.Val170Gly variant is absent in gnomAD Exomes database. This variant has not been submitted to the ClinVar database. Multiple lines of computational evidence (SIFT - damaging; Polyphen - probably damaging; MutationTaster - disease causing) predict a damaging effect on protein structure and function for this variant. The amino acid change p.Val170Gly in CRPPA is predicted as conserved by GERP++ and PhyloP across 100 vertebrates. The amino acid Val at position 170 is changed to a Gly changing protein sequence and it might alter its composition and physico-chemical properties. For these reasons, this variant has been classified as a Variant of Uncertain Significance (VUS).

NM_001101426.4(CRPPA):c.509T>G (p.Val170Gly)

Gene: CRPPA (CDP-L-ribitol pyrophosphorylase A; minus strand). Cytogenetic location: 7p21.2.
Variant type: single nucleotide variant.
Coding change: c.509T>G on transcript NM_001101426.4 (MANE Select); coding-DNA position 509, T replaced by G.
Protein change: p.Val170Gly; replaces valine 170 with glycine.
Molecular consequence: missense variant. On other transcripts: non-coding transcript variant (1).
Genome position (GRCh38, 1-based): chr7:16,406,086, A>C on the plus strand (T>G on the coding strand, the complement: CRPPA is on the minus strand). VCF-style: chr7-16406086-A-C. GRCh37 (hg19) VCF-style: chr7-16445711-A-C.
Other names: c.509T>G, p.Val170Gly (NM_001101417.4, NM_001368197.1); short protein forms V170G.
Identifiers: ClinVar variation 3341351 (VCV003341351.1).